The following is an entry in ClinVar:

ClinVar aggregate classification (germline): Uncertain significance (1 of 4 stars; one submission).

Submission:

Labcorp Genetics (formerly Invitae), Labcorp
Classification: Uncertain significance. Last evaluated: 2024-11-09. Review status: criteria provided, single submitter. Criteria: Invitae Variant Classification Sherloc (09022015). Collection method: clinical testing. Allele origin: germline.
Comment: This sequence change replaces threonine, which is neutral and polar, with alanine, which is neutral and non-polar, at codon 456 of the LIPG protein (p.Thr456Ala). This variant is not present in population databases (gnomAD no frequency). This variant has not been reported in the literature in individuals affected with LIPG-related conditions. An algorithm developed to predict the effect of missense changes on protein structure and function (PolyPhen-2) suggests that this variant is likely to be disruptive. In summary, the available evidence is currently insufficient to determine the role of this variant in disease. Therefore, it has been classified as a Variant of Uncertain Significance.

NM_006033.4(LIPG):c.1366A>G (p.Thr456Ala)

Gene: LIPG (lipase G, endothelial type; plus strand). Cytogenetic location: 18q21.1.
Variant type: single nucleotide variant.
Coding change: c.1366A>G on transcript NM_006033.4 (MANE Select); coding-DNA position 1366, A replaced by G.
Protein change: p.Thr456Ala; replaces threonine 456 with alanine.
Molecular consequence: missense variant.
Genome position (GRCh38, 1-based): chr18:49,583,764, A>G. VCF-style: chr18-49583764-A-G. GRCh37 (hg19) VCF-style: chr18-47110134-A-G.
Other names: c.1144A>G, p.Thr382Ala (NM_001308006.2); short protein forms T382A, T456A.
Identifiers: ClinVar variation 3621124 (VCV003621124.2).